The following is an entry in ClinVar:

NM_000051.4(ATM):c.261A>G (p.Gln87=)

Gene: ATM (ATM serine/threonine kinase; plus strand). Cytogenetic location: 11q22.3.
Variant type: single nucleotide variant.
Coding change: c.261A>G on transcript NM_000051.4 (MANE Select); coding-DNA position 261, A replaced by G.
Protein change: p.Gln87=; no amino-acid change (glutamine 87 retained).
Molecular consequence: synonymous variant.
Genome position (GRCh38, 1-based): chr11:108,229,253, A>G. VCF-style: chr11-108229253-A-G. GRCh37 (hg19) VCF-style: chr11-108099980-A-G.
Other names: c.261A>G, p.Gln87= (NM_001351834.2, NM_001351835.2, NM_001351836.2).
Identifiers: ClinVar variation 834437 (VCV000834437.11), dbSNP rs2078887941, ClinGen allele CA476668259.

ClinVar aggregate classification (germline): Benign/Likely benign. Review status: criteria provided, multiple submitters, no conflicts (2 of 4 stars). 3 submissions from 3 submitters: Benign (1); Likely benign (2). Last evaluated 2025-10-01.

Conditions:
Ataxia-telangiectasia syndrome (AT). Also called: Ataxia-telangiectasia, complementation group E; Ataxia telangiectasia (A-T); LOUIS-BAR SYNDROME; Ataxia-telangiectasia, complementation group D; AT, COMPLEMENTATION GROUP C; Ataxia-telangiectasia. Identifiers: Orphanet 100, MedGen C0004135, MONDO:0008840, OMIM 208900.
Hereditary cancer-predisposing syndrome. Also called: Neoplastic Syndromes, Hereditary; Hereditary neoplastic syndrome; Tumor predisposition; Hereditary Cancer Syndrome. Identifiers: Orphanet 140162, MedGen C0027672, MeSH D009386, MONDO:0015356.
Familial cancer of breast. Also called: BREAST CANCER, FAMILIAL; hereditary breast carcinoma; Hereditary breast cancer. Identifiers: Orphanet 227535, MedGen C0346153, MONDO:0016419, OMIM 114480. Disease mechanism: loss of function.

Allele frequency attached by ClinVar (database versions not stated): TOPMed below 0.00001; gnomAD 0.00001.
gnomAD v4.1: 1 of 1,613,744 alleles (0.000062%); highest among the groups gnomAD compares: Admixed American, 0.0017%; no homozygotes.

Submissions (3):

Labcorp Genetics (formerly Invitae), Labcorp
Classification: Likely benign for Ataxia-telangiectasia syndrome. Last evaluated: 2025-10-01. Review status: criteria provided, single submitter. Criteria: Invitae Variant Classification Sherloc (09022015). Collection method: clinical testing. Allele origin: germline.

Myriad Genetics, Inc.
Classification: Benign for Familial cancer of breast. Last evaluated: 2024-04-18. Review status: criteria provided, single submitter. Criteria: Myriad Autosomal Dominant, Autosomal Recessive and X-Linked Classification Criteria (2023). Collection method: clinical testing. Allele origin: unknown.
Comment: This variant is considered benign. This variant is a silent/synonymous amino acid change and it is not expected to impact splicing.

Ambry Genetics
Classification: Likely benign for Hereditary cancer-predisposing syndrome. Last evaluated: 2020-08-17. Review status: criteria provided, single submitter. Criteria: Ambry Variant Classification Scheme 2023. Collection method: clinical testing. Allele origin: germline.